The following is an entry in ClinVar:

ClinVar aggregate classification (germline): Uncertain significance (1 of 4 stars; one submission).

Conditions:
Sphingolipid activator protein 1 deficiency. Also called: Saposin B Deficiency; METACHROMATIC LEUKODYSTROPHY DUE TO CEREBROSIDE SULFATASE ACTIVATOR DEFICIENCY; Metachromatic leukodystrophy due to saposin B deficiency. Identifiers: Orphanet 512, MedGen C0268262, MONDO:0009590, OMIM 249900.

Submission:

Labcorp Genetics (formerly Invitae), Labcorp
Classification: Uncertain significance for Sphingolipid activator protein 1 deficiency. Last evaluated: 2022-05-13. Review status: criteria provided, single submitter. Criteria: Invitae Variant Classification Sherloc (09022015). Collection method: clinical testing. Allele origin: germline.
Comment: Algorithms developed to predict the effect of missense changes on protein structure and function are either unavailable or do not agree on the potential impact of this missense change (SIFT: "Not Available"; PolyPhen-2: "Possibly Damaging"; Align-GVGD: "Not Available"). This sequence change replaces lysine, which is basic and polar, with asparagine, which is neutral and polar, at codon 429 of the PSAP protein (p.Lys429Asn). This variant is not present in population databases (gnomAD no frequency). This variant has not been reported in the literature in individuals affected with PSAP-related conditions. In summary, the available evidence is currently insufficient to determine the role of this variant in disease. Therefore, it has been classified as a Variant of Uncertain Significance.

NM_002778.4(PSAP):c.1287G>C (p.Lys429Asn)

Gene: PSAP (prosaposin; minus strand). Cytogenetic location: 10q22.1.
Variant type: single nucleotide variant.
Coding change: c.1287G>C on transcript NM_002778.4 (MANE Select); coding-DNA position 1287, G replaced by C.
Protein change: p.Lys429Asn; replaces lysine 429 with asparagine.
Molecular consequence: missense variant.
Genome position (GRCh38, 1-based): chr10:71,819,528, C>G on the plus strand (G>C on the coding strand, the complement: PSAP is on the minus strand). VCF-style: chr10-71819528-C-G. GRCh37 (hg19) VCF-style: chr10-73579285-C-G.
Other names: c.1296G>C, p.Lys432Asn (NM_001042465.3); c.1293G>C, p.Lys431Asn (NM_001042466.3); short protein forms K429N, K431N, K432N.
Identifiers: ClinVar variation 1994028 (VCV001994028.4), dbSNP rs1295313912, ClinGen allele CA377142767.